The following is an entry in ClinVar:

NM_001372163.1(PRRG3):c.508C>T (p.Arg170Trp)

Gene: PRRG3 (proline rich and Gla domain 3; plus strand). Cytogenetic location: Xq28.
Variant type: single nucleotide variant.
Coding change: c.508C>T on transcript NM_001372163.1 (MANE Select); coding-DNA position 508, C replaced by T.
Protein change: p.Arg170Trp; replaces arginine 170 with tryptophan.
Molecular consequence: missense variant. On other transcripts: non-coding transcript variant (1).
Genome position (GRCh38, 1-based): chrX:151,700,845, C>T. VCF-style: chrX-151700845-C-T. GRCh37 (hg19) VCF-style: chrX-150869317-C-T.
Other names: c.400C>T, p.Arg134Trp (NM_001372165.1); c.508C>T, p.Arg170Trp (NM_024082.4); c.508C>T (NM_024082.3); short protein forms R134W, R170W.
Identifiers: ClinVar variation 2661647 (VCV002661647.25), dbSNP rs143276868, ClinGen allele CA10541395.

ClinVar aggregate classification (germline): Conflicting classifications of pathogenicity. Review status: criteria provided, conflicting classifications (1 of 4 stars). 2 submissions from 2 submitters: Uncertain significance (1); Likely benign (1). Last evaluated 2024-05-13.

Allele frequency attached by ClinVar (database versions not stated): TOPMed 0.00004; gnomAD 0.00005; gnomAD exomes 0.00007; ExAC 0.00010; ESP Exome Variant Server 0.00028.
gnomAD v4.1: 79 of 1,196,273 alleles (0.0066%); highest among the groups gnomAD compares: South Asian, 0.06%; no homozygotes.

Submissions (2):

Ambry Genetics
Classification: Uncertain significance. Last evaluated: 2024-05-13. Review status: criteria provided, single submitter. Criteria: Ambry Variant Classification Scheme 2023. Collection method: clinical testing. Allele origin: germline.

CeGaT Center for Human Genetics Tuebingen
Classification: Likely benign. Last evaluated: 2022-12-01. Review status: criteria provided, single submitter. Criteria: CeGaT Center For Human Genetics Tuebingen Variant Classification Criteria Version 2. Collection method: clinical testing. Allele origin: germline. Affected: yes. Observed: 1 variant allele.
Comment: PRRG3: BS2